The following is an entry in ClinVar:

ClinVar aggregate classification (germline): Likely benign (1 of 4 stars; one submission).

Allele frequency attached by ClinVar (database versions not stated): gnomAD exomes below 0.00001.
gnomAD v4.1: 2 of 1,610,800 alleles (0.00012%); highest among the groups gnomAD compares: Non-Finnish European, 0.00017%; no homozygotes.

Submission:

CeGaT Center for Human Genetics Tuebingen
Classification: Likely benign. Last evaluated: 2024-02-01. Review status: criteria provided, single submitter. Criteria: CeGaT Center For Human Genetics Tuebingen Variant Classification Criteria Version 2. Collection method: clinical testing. Allele origin: germline. Affected: yes. Observed: 1 variant allele.
Comment: PAK1: PM2:Supporting, BP4, BP7

NM_002576.5(PAK1):c.810T>C (p.Tyr270=)

Gene: PAK1 (p21 (RAC1) activated kinase 1; minus strand). Cytogenetic location: 11q13.5.
Variant type: single nucleotide variant.
Coding change: c.810T>C on transcript NM_002576.5 (MANE Select); coding-DNA position 810, T replaced by C.
Protein change: p.Tyr270=; no amino-acid change (tyrosine 270 retained).
Molecular consequence: synonymous variant. On other transcripts: intron variant (2), non-coding transcript variant (2).
Genome position (GRCh38, 1-based): chr11:77,353,562, A>G on the plus strand (T>C on the coding strand, the complement: PAK1 is on the minus strand). VCF-style: chr11-77353562-A-G. GRCh37 (hg19) VCF-style: chr11-77064607-A-G.
Other names: c.772+2106T>C (NM_001376295.1); c.810T>C, p.Tyr270= (NM_001128620.2, NM_001376268.1, NM_001376269.1 and 23 more transcripts); c.831T>C, p.Tyr277= (NM_001376272.1); c.801T>C, p.Tyr267= (NM_001376294.1); c.561T>C, p.Tyr187= (NM_001376301.1); c.516T>C, p.Tyr172= (NM_001376302.1, NM_001376304.1, NM_001376305.1); c.597+5336T>C (NM_001376303.1).
Identifiers: ClinVar variation 3026106 (VCV003026106.22), dbSNP rs1945580237, ClinGen allele CA476027267.